The following is an entry in ClinVar:

ClinVar aggregate classification (germline): Uncertain significance. Review status: criteria provided, multiple submitters, no conflicts (2 of 4 stars). 2 submissions from 2 submitters: Uncertain significance (2). Last evaluated 2020-10-05.

Conditions:
Autosomal recessive nonsyndromic hearing loss 15. Also called: DEAFNESS, AUTOSOMAL RECESSIVE 72; DEAFNESS, AUTOSOMAL RECESSIVE 95; DEAFNESS, AUTOSOMAL RECESSIVE 15. Identifiers: Orphanet 90636, MedGen C1866094, MONDO:0011160, OMIM 601869.

Allele frequency attached by ClinVar (database versions not stated): ExAC 0.00001.

Submissions (2):

Dubai Health Genomic Medicine Center, Dubai Health
Classification: Uncertain significance for Autosomal recessive nonsyndromic hearing loss 15. Last evaluated: 2020-10-05. Review status: criteria provided, single submitter. Criteria: ACMG Guidelines, 2015. Collection method: clinical testing. Allele origin: germline. Affected: yes.
Comment: The p.Gly227Glu missense variant in GIPC3 has not been previously reported in affected individuals but was identified in 2/30612 (0.0065% 0 homozygotes) South Asian alleles in the Genome Aggregation Database (gnomAD) and in 1/1985 alleles in the Greater Middle East (GME) variome database. Computational prediction tools do not suggest an impact to protein function however this information is not predictive enough to rule out pathogenicity. In summary more information is needed to fully assess the clinical significance of this variant.

Breakthrough Genomics
Classification: Uncertain significance. Review status: criteria provided, single submitter. Criteria: ACMG Guidelines, 2015. Collection method: not provided. Allele origin: germline. Inheritance: Autosomal recessive inheritance. Affected: yes.

NM_133261.3(GIPC3):c.680G>A (p.Gly227Glu)

Gene: GIPC3 (GIPC PDZ domain containing family member 3; plus strand). Cytogenetic location: 19p13.3.
Variant type: single nucleotide variant.
Coding change: c.680G>A on transcript NM_133261.3 (MANE Select); coding-DNA position 680, G replaced by A.
Protein change: p.Gly227Glu; replaces glycine 227 with glutamic acid.
Molecular consequence: missense variant.
Genome position (GRCh38, 1-based): chr19:3,589,530, G>A. VCF-style: chr19-3589530-G-A. GRCh37 (hg19) VCF-style: chr19-3589528-G-A.
Other names: short protein forms G227E.
Identifiers: ClinVar variation 1301799 (VCV001301799.3), dbSNP rs756451615, ClinGen allele CA9080492.
Genomic context (GRCh38, chr19:3,589,530, plus strand): 5'-GCAAATGTCCAGTAGAGGCGAAAGTGACCAGCGGGAGGGAGACCCTGCGGCTTCGTTCTG[G>A]GGGGGCTGCCACAGTGGAGGAAGCGGTGAGTGAAGGGGAGGGGCTCTCCCCAGGCTTCTG-3'
Protein context (NP_573568.1, residues 217-237): SGRETLRLRS[Gly227Glu]GAATVEEAPS